The following is an entry in ClinVar:

ClinVar aggregate classification (germline): Likely benign. Review status: criteria provided, multiple submitters, no conflicts (2 of 4 stars). 7 submissions from 7 submitters: Likely benign (4). 3 of the submissions do not count toward it. Last evaluated 2026-01-12.

Conditions:
VPS13B-related disorder. Also called: VPS13B-related condition.
Cohen syndrome (COH1). Also called: Cutis verticis gyrata, retinitis pigmentosa, and sensorineural deafness; PEPPER SYNDROME. Identifiers: Orphanet 193, MedGen C0265223, MONDO:0008999, OMIM 216550.

Allele frequency attached by ClinVar (database versions not stated): ExAC 0.00006; gnomAD exomes 0.00006 and 0.00007; TOPMed 0.00010; gnomAD 0.00011.
gnomAD v4.1: 116 of 1,613,536 alleles (0.0072%); highest among the groups gnomAD compares: Middle Eastern, 0.033%; no homozygotes.

Submissions (7):

Labcorp Genetics (formerly Invitae), Labcorp
Classification: Likely benign for Cohen syndrome. Last evaluated: 2026-01-12. Review status: criteria provided, single submitter. Criteria: Invitae Variant Classification Sherloc (09022015). Collection method: clinical testing. Allele origin: germline.

Blueprint Genetics
Classification: Likely benign. Last evaluated: 2024-03-18. Review status: criteria provided, single submitter. Criteria: ACMG Guidelines, 2015. Collection method: clinical testing. Allele origin: germline.

CeGaT Center for Human Genetics Tuebingen
Classification: Likely benign. Last evaluated: 2023-02-01. Review status: criteria provided, single submitter. Criteria: CeGaT Center For Human Genetics Tuebingen Variant Classification Criteria Version 2. Collection method: clinical testing. Allele origin: germline. Affected: yes. Observed: 2 variant alleles.
Comment: VPS13B: BP4, BP7

Breakthrough Genomics
Classification: Likely benign. Review status: criteria provided, single submitter. Criteria: ACMG Guidelines, 2015. Collection method: not provided. Allele origin: germline. Inheritance: Autosomal recessive inheritance. Affected: yes.

PreventionGenetics, part of Exact Sciences
Classification: Likely benign for VPS13B-related condition. Last evaluated: 2022-06-09. Review status: no assertion criteria provided. Collection method: clinical testing. Allele origin: germline. Not counted in ClinVar's aggregate classification.
Comment: This variant is classified as likely benign based on ACMG/AMP sequence variant interpretation guidelines (Richards et al. 2015 PMID: 25741868, with internal and published modifications).

Clinical Genetics DNA and cytogenetics Diagnostics Lab, Erasmus MC, Erasmus Medical Center
Classification: Likely benign. Review status: no assertion criteria provided. Collection method: clinical testing. Allele origin: germline. Affected: yes. Study: VKGL Data-share Consensus. Not counted in ClinVar's aggregate classification.

Clinical Genetics, Academic Medical Center
Classification: Benign. Review status: no assertion criteria provided. Collection method: clinical testing. Allele origin: germline. Affected: yes. Study: VKGL Data-share Consensus. Not counted in ClinVar's aggregate classification.

NM_152564.5(VPS13B):c.2472C>T (p.Ser824=)

Gene: VPS13B (vacuolar protein sorting 13 homolog B; plus strand). Cytogenetic location: 8q22.2.
Variant type: single nucleotide variant.
Coding change: c.2472C>T on transcript NM_152564.5 (MANE Select); coding-DNA position 2472, C replaced by T.
Protein change: p.Ser824=; no amino-acid change (serine 824 retained).
Molecular consequence: synonymous variant.
Genome position (GRCh38, 1-based): chr8:99,193,014, C>T. VCF-style: chr8-99193014-C-T. GRCh37 (hg19) VCF-style: chr8-100205242-C-T.
Other names: c.2472C>T, p.Ser824= (NM_015243.3, NM_017890.5); c.2472C>T (NM_152564.4).
Identifiers: ClinVar variation 528854 (VCV000528854.41), dbSNP rs766373133, ClinGen allele CA4822911.
Genomic context (GRCh38, chr8:99,193,014, plus strand): 5'-GACACTTCTCTTGCAAGCAATATATCAAAGTTGGTCTCATCTTGGAAATGTCAGCTCTTC[C>T]GCAGTGATTGAAGCTTTGATAAATGAAATCTTCCTAAGTATAGGTAAGAGCACAGTCTTT-3'
Protein context (NP_689777.3, residues 814-834): SWSHLGNVSS[Ser824=]AVIEALINEI